The following is an entry in ClinVar:

ClinVar aggregate classification (germline): Uncertain significance. Review status: criteria provided, multiple submitters, no conflicts (2 of 4 stars). 5 submissions from 2 submitters: Uncertain significance (5). Last evaluated 2022-05-06.

Conditions:
Combined PSAP deficiency (PSAPD). Also called: COMBINED SAP DEFICIENCY; PROSAPOSIN DEFICIENCY; Encephalopathy due to prosaposin deficiency. Identifiers: Orphanet 139406, MedGen C2673635, MONDO:0012719, OMIM 611721.
Gaucher disease due to saposin C deficiency. Also called: Atypical Gaucher disease due to saposin C deficiency; Saposin C Deficiency. Identifiers: Orphanet 309252, Orphanet 355, MedGen C1864651, MONDO:0012517, OMIM 610539.
Sphingolipid activator protein 1 deficiency. Also called: Saposin B Deficiency; METACHROMATIC LEUKODYSTROPHY DUE TO CEREBROSIDE SULFATASE ACTIVATOR DEFICIENCY; Metachromatic leukodystrophy due to saposin B deficiency. Identifiers: Orphanet 512, MedGen C0268262, MONDO:0009590, OMIM 249900.
Krabbe disease due to saposin A deficiency. Also called: Saposin A Deficiency; KRABBE DISEASE, ATYPICAL, DUE TO SAPOSIN A DEFICIENCY. Identifiers: Orphanet 487, MedGen C2673266, MONDO:0012720, OMIM 611722.

Allele frequency attached by ClinVar (database versions not stated): gnomAD exomes below 0.00001 and 0.00001; ExAC 0.00001; TOPMed 0.00002.
gnomAD v4.1: 16 of 1,613,392 alleles (0.00099%); highest among the groups gnomAD compares: Non-Finnish European, 0.0012%; no homozygotes.

Submissions (5):

Labcorp Genetics (formerly Invitae), Labcorp
Classification: Uncertain significance for Sphingolipid activator protein 1 deficiency. Last evaluated: 2022-05-06. Review status: criteria provided, single submitter. Criteria: Invitae Variant Classification Sherloc (09022015). Collection method: clinical testing. Allele origin: germline.
Comment: This sequence change replaces lysine, which is basic and polar, with arginine, which is basic and polar, at codon 304 of the PSAP protein (p.Lys304Arg). This variant is present in population databases (rs757553906, gnomAD 0.0009%). This variant has not been reported in the literature in individuals affected with PSAP-related conditions. ClinVar contains an entry for this variant (Variation ID: 300520). Algorithms developed to predict the effect of missense changes on protein structure and function are either unavailable or do not agree on the potential impact of this missense change (SIFT: "Not Available"; PolyPhen-2: "Benign"; Align-GVGD: "Not Available"). Algorithms developed to predict the effect of sequence changes on RNA splicing suggest that this variant may disrupt the consensus splice site. In summary, the available evidence is currently insufficient to determine the role of this variant in disease. Therefore, it has been classified as a Variant of Uncertain Significance.

Illumina Laboratory Services, Illumina
Classification: Uncertain significance for Sphingolipid activator protein 1 deficiency. Last evaluated: 2018-01-12. Review status: criteria provided, single submitter. Criteria: ICSL Variant Classification Criteria 13 December 2019. Collection method: clinical testing. Allele origin: germline.

Illumina Laboratory Services, Illumina
Classification: Uncertain significance for Combined PSAP deficiency. Last evaluated: 2018-01-12. Review status: criteria provided, single submitter. Criteria: ICSL Variant Classification Criteria 13 December 2019. Collection method: clinical testing. Allele origin: germline.

Illumina Laboratory Services, Illumina
Classification: Uncertain significance for Gaucher disease due to saposin C deficiency. Last evaluated: 2018-01-12. Review status: criteria provided, single submitter. Criteria: ICSL Variant Classification Criteria 13 December 2019. Collection method: clinical testing. Allele origin: germline.

Illumina Laboratory Services, Illumina
Classification: Uncertain significance for Krabbe disease due to saposin A deficiency. Last evaluated: 2018-01-12. Review status: criteria provided, single submitter. Criteria: ICSL Variant Classification Criteria 13 December 2019. Collection method: clinical testing. Allele origin: germline.

NM_002778.4(PSAP):c.911A>G (p.Lys304Arg)

Gene: PSAP (prosaposin; minus strand). Cytogenetic location: 10q22.1.
Variant type: single nucleotide variant.
Coding change: c.911A>G on transcript NM_002778.4 (MANE Select); coding-DNA position 911, A replaced by G.
Protein change: p.Lys304Arg; replaces lysine 304 with arginine.
Molecular consequence: missense variant.
Genome position (GRCh38, 1-based): chr10:71,820,334, T>C on the plus strand (A>G on the coding strand, the complement: PSAP is on the minus strand). VCF-style: chr10-71820334-T-C. GRCh37 (hg19) VCF-style: chr10-73580091-T-C.
Other names: c.920A>G, p.Lys307Arg (NM_001042465.3); c.917A>G, p.Lys306Arg (NM_001042466.3); short protein forms K307R, K304R, K306R.
Identifiers: ClinVar variation 300520 (VCV000300520.6), dbSNP rs757553906, ClinGen allele CA5547563.
Genomic context (GRCh38, chr10:71,820,334, plus strand): 5'-TCCTTCACCAGGAATTCACACACCTCACAGTAAACATCAGACTTTGCTGGGACCTCGTGC[T>C]TCTGTGGAAAGAGTAGAAGGAGAGTACTTTCAATGCTGGGACTCACAGCCCTTGGTCTTG-3'
Protein context (NP_002769.1, residues 294-314): PALELVEPIK[Lys304Arg]HEVPAKSDVY